The following is an entry in ClinVar:

ClinVar aggregate classification (germline): Conflicting classifications of pathogenicity. Review status: criteria provided, conflicting classifications (1 of 4 stars). 16 submissions from 15 submitters: Uncertain significance (1); Benign (4); Likely benign (6). 5 of the submissions do not count toward it. Last evaluated 2026-01-28.

Conditions:
BRIP1-related disorder. Also called: BRIP1-related condition; BRIP1-related disorders. Identifiers: MedGen CN239206.
Hereditary cancer-predisposing syndrome. Also called: Neoplastic Syndromes, Hereditary; Hereditary Cancer Syndrome; Tumor predisposition; Hereditary neoplastic syndrome. Identifiers: Orphanet 140162, MedGen C0027672, MeSH D009386, MONDO:0015356.
Fanconi anemia complementation group J. Also called: BRIP1-Related Fanconi Anemia. Identifiers: Orphanet 84, MedGen C1836860, MONDO:0012187, OMIM 609054.
Familial cancer of breast. Also called: BREAST CANCER, FAMILIAL; Hereditary breast cancer; hereditary breast carcinoma. Identifiers: Orphanet 227535, MedGen C0346153, MONDO:0016419, OMIM 114480. Disease mechanism: loss of function.
Ovarian cancer. Also called: OVARIAN CANCER, SOMATIC. Identifiers: Orphanet 213500, MedGen C1140680, MONDO:0008170, OMIM 167000.
Malignant tumor of breast. Also called: Malignant breast neoplasm; Cancer breast. Identifiers: MedGen C0006142, MONDO:0007254. Disease mechanism: loss of function.

Allele frequency attached by ClinVar (database versions not stated): 1000 Genomes Project 0.00020; gnomAD exomes 0.00020 and 0.00008; ExAC 0.00021; ESP Exome Variant Server 0.00054; gnomAD 0.00066 and 0.00076; 1000 Genomes Project 30x 0.00031; TOPMed 0.00087.
gnomAD v4.1: 217 of 1,613,570 alleles (0.013%); highest among the groups gnomAD compares: African/African-American, 0.27%; 1 homozygote.

Submissions (16):

Labcorp Genetics (formerly Invitae), Labcorp
Classification: Benign for Familial cancer of breast; Fanconi anemia complementation group J. Last evaluated: 2026-01-28. Review status: criteria provided, single submitter. Criteria: Invitae Variant Classification Sherloc (09022015). Collection method: clinical testing. Allele origin: germline.

Dasa
Classification: Likely benign. Last evaluated: 2025-12-20. Review status: criteria provided, single submitter. Criteria: DASA Assertion Criteria. Collection method: clinical testing. Allele origin: germline.
Comment: NM_032043.3(BRIP1):c.3378A>C (p.Glu1126Asp) is a missense variant that results in the substitution of glutamic acid with aspartic acid. Population frequency is inconsistent with a disease-causing role for this variant, and observations in unaffected individuals support a benign interpretation. Therefore, based on the currently available evidence, this variant is classified as likely benign.

Color Diagnostics, LLC DBA Color Health
Classification: Likely benign for Hereditary cancer-predisposing syndrome. Last evaluated: 2024-09-19. Review status: criteria provided, single submitter. Criteria: ACMG Guidelines, 2015. Collection method: clinical testing. Allele origin: germline.

Quest Diagnostics Nichols Institute San Juan Capistrano
Classification: Benign. Last evaluated: 2023-06-26. Review status: criteria provided, single submitter. Criteria: Quest Diagnostics criteria. Collection method: clinical testing. Allele origin: unknown.

Myriad Genetics, Inc.
Classification: Uncertain significance for Familial cancer of breast. Last evaluated: 2023-03-02. Review status: criteria provided, single submitter. Criteria: Myriad Autosomal Dominant, Autosomal Recessive and X-Linked Classification Criteria (2023). Collection method: clinical testing. Allele origin: unknown.
Comment: This variant is classified as a variant of uncertain significance as there is insufficient evidence to determine its impact on protein function and/or cancer risk.

Sema4
Classification: Benign for Hereditary cancer-predisposing syndrome. Last evaluated: 2021-03-10. Review status: criteria provided, single submitter. Criteria: Sema4 Curation Guidelines. Collection method: curation. Allele origin: germline.

Mendelics
Classification: Likely benign for Familial cancer of breast. Last evaluated: 2019-05-28. Review status: criteria provided, single submitter. Criteria: Mendelics Assertion Criteria 2017. Collection method: clinical testing. Allele origin: unknown.

Genetic Services Laboratory, University of Chicago
Classification: Likely benign. Last evaluated: 2019-05-06. Review status: criteria provided, single submitter. Criteria: ACMG Guidelines, 2015. Collection method: clinical testing. Allele origin: germline. Affected: no.

Ambry Genetics
Classification: Likely benign for Hereditary cancer-predisposing syndrome. Last evaluated: 2019-02-09. Review status: criteria provided, single submitter. Criteria: Ambry Variant Classification Scheme 2023. Collection method: clinical testing. Allele origin: germline.

GeneDx
Classification: Likely benign. Last evaluated: 2017-10-19. Review status: criteria provided, single submitter. Criteria: GeneDx Variant Classification (06012015). Collection method: clinical testing. Allele origin: germline. Affected: yes.
Comment: This variant is considered likely benign or benign based on one or more of the following criteria: it is a conservative change, it occurs at a poorly conserved position in the protein, it is predicted to be benign by multiple in silico algorithms, and/or has population frequency not consistent with disease.

Women's Health and Genetics/Laboratory Corporation of America, LabCorp
Classification: Benign. Last evaluated: 2016-08-08. Review status: criteria provided, single submitter. Criteria: LabCorp Variant Classification Summary - May 2015. Collection method: clinical testing. Allele origin: germline.
Comment: Variant summary: The BRIP1 c.3378A>C (p.Glu1126Asp) variant involves the alteration of a non-conserved nucleotide. 4/5 in silico tools predict a benign outcome for this variant . This variant was found in 26/121034 control chromosomes (1 homozygote), predominantly observed in the African subpopulation at a frequency of 0.002549 (26/10200). This frequency is about 41 times the estimated maximal expected allele frequency of a pathogenic BRIP1 variant (0.0000625), suggesting this is likely a benign polymorphism found primarily in the populations of African origin. In addition, one clinical diagnostic laboratory classified this variant as uncertain significance and another lab classified this variant as likely benign, all without evidence to independently evaluate. Taken together, this variant is classified as benign.

PreventionGenetics, part of Exact Sciences
Classification: Likely benign for BRIP1-related condition. Last evaluated: 2021-11-10. Review status: no assertion criteria provided. Collection method: clinical testing. Allele origin: germline. Not counted in ClinVar's aggregate classification.
Comment: This variant is classified as likely benign based on ACMG/AMP sequence variant interpretation guidelines (Richards et al. 2015 PMID: 25741868, with internal and published modifications).

Institute for Biomarker Research, Medical Diagnostic Laboratories, L.L.C.
Classification: Benign for Hereditary cancer-predisposing syndrome. Last evaluated: 2021-09-27. Review status: no assertion criteria provided. Collection method: clinical testing. Allele origin: germline. Not counted in ClinVar's aggregate classification.

Counsyl
Classification: Uncertain significance for Fanconi anemia complementation group J. Last evaluated: 2016-07-06. Review status: no assertion criteria provided. Collection method: clinical testing. Allele origin: unknown. Not counted in ClinVar's aggregate classification.

Counsyl
Classification: Uncertain significance for Ovarian cancer. Last evaluated: 2016-07-06. Review status: no assertion criteria provided. Collection method: clinical testing. Allele origin: unknown. Not counted in ClinVar's aggregate classification.

Department of Pathology and Laboratory Medicine, Sinai Health System
Classification: Likely benign for Malignant tumor of breast. Review status: no assertion criteria provided. Collection method: clinical testing. Allele origin: unknown. Affected: yes. Study: The Canadian Open Genetics Repository (COGR). Not counted in ClinVar's aggregate classification.
Comment: The BRIP1 p.Glu1126Asp variant was identified in 5 of 29146 proband chromosomes (frequency: 0.0002) from individuals or families with breast cancer or Lynch syndrome and was not identified in 10484 control chromosomes from healthy individuals (Easton 2016, Rodriquez-Flores 2014, Yurgelun 2015). The variant was also identified in dbSNP (ID: rs145855459) as "With Uncertain significance allele", ClinVar (classified as benign by Integrated Genetics/Laboratory Corporation of America; as likely benign by Invitae, Ambry Genetics, and GeneDx; and as uncertain significance by two submitters), and the Zhejiang University Database (1x). The variant was not identified in Cosmic or MutDB. The variant was identified in control databases in 70 of 276548 chromosomes (1 homozygous) at a frequency of 0.0003 (Genome Aggregation Database Feb 27, 2017). The variant was observed in the following populations: African in 69 of 24024 chromosomes (freq: 0.003) and Latino in 1 of 34412 chromosomes (freq: 0.00003), while the variant was not observed in the Other, European, Ashkenazi Jewish, East Asian, Finnish, or South Asian populations. The p.Glu1126 residue is not conserved in mammals and four out of five computational analyses (PolyPhen-2, SIFT, AlignGVGD, BLOSUM, MutationTaster) do not suggest a high likelihood of impact to the protein; however, this information is not predictive enough to rule out pathogenicity. The variant occurs outside of the splicing consensus sequence and in silico or computational prediction software programs (SpliceSiteFinder, MaxEntScan, NNSPLICE, GeneSplicer) do not predict a difference in splicing. In summary, based on the above information, the clinical significance of this variant cannot be determined with certainty at this time although we would lean towards a more benign role for this variant. This variant is classified as likely benign.

Literature cited by the submitters: PubMed 27978560 (cited by Quest Diagnostics Nichols Institute San Juan Capistrano); PubMed 36315513 (cited by Quest Diagnostics Nichols Institute San Juan Capistrano); PubMed 25980754 (cited by Quest Diagnostics Nichols Institute San Juan Capistrano and Counsyl); PubMed 28503720 (cited by Quest Diagnostics Nichols Institute San Juan Capistrano); PubMed 24123366 (cited by Quest Diagnostics Nichols Institute San Juan Capistrano and Counsyl); PubMed 26921362 (cited by Quest Diagnostics Nichols Institute San Juan Capistrano and Counsyl).

NM_032043.3(BRIP1):c.3378A>C (p.Glu1126Asp)

Gene: BRIP1 (BRCA1 interacting DNA helicase 1; minus strand). Cytogenetic location: 17q23.2.
Variant type: single nucleotide variant.
Coding change: c.3378A>C on transcript NM_032043.3 (MANE Select); coding-DNA position 3378, A replaced by C.
Protein change: p.Glu1126Asp; replaces glutamic acid 1126 with aspartic acid.
Molecular consequence: missense variant.
Genome position (GRCh38, 1-based): chr17:61,683,668, T>G on the plus strand (A>C on the coding strand, the complement: BRIP1 is on the minus strand). VCF-style: chr17-61683668-T-G. GRCh37 (hg19) VCF-style: chr17-59761029-T-G.
Other names: p.E1126D:GAA>GAC; short protein forms E1126D.
Identifiers: ClinVar variation 128187 (VCV000128187.36), dbSNP rs145855459, ClinGen allele CA288591.
Genomic context (GRCh38, chr17:61,683,668, plus strand): 5'-TTTTTCTTCATCTGTATCTTCAGGATCATAAAGTTCAGGTGTAAAATAGATAGATTCATC[T>G]TCTGCTTCTGTTTCAAAATCTCTATTTGAAGTGGACTGTTTATCTTCTTCACTTACTAGA-3'
Protein context (NP_114432.2, residues 1116-1136): TSNRDFETEA[Glu1126Asp]DESIYFTPEL